The following is an entry in ClinVar:

NM_001077350.3(NPRL3):c.1024G>T (p.Val342Leu)

Genes: HBA-LCR (alpha-globin locus control region; plus strand), NPRL3 (NPR3 like, GATOR1 complex subunit; minus strand). Cytogenetic location: 16p13.3.
Variant type: single nucleotide variant.
Coding change: c.1024G>T on transcript NM_001077350.3 (MANE Select); coding-DNA position 1024, G replaced by T.
Protein change: p.Val342Leu; replaces valine 342 with leucine.
Molecular consequence: missense variant.
Genome position (GRCh38, 1-based): chr16:93,226, C>A on the plus strand (G>T on the coding strand, the complement: NPRL3 is on the minus strand). VCF-style: chr16-93226-C-A. GRCh37 (hg19) VCF-style: chr16-143224-C-A.
Other names: p.Val342Leu; c.487G>T, p.Val163Leu (NM_001039476.3); c.790G>T, p.Val264Leu (NM_001243247.2); c.949G>T, p.Val317Leu (NM_001243248.2, NM_001243249.2); short protein forms V317L, V342L, V264L, V163L.
Identifiers: ClinVar variation 542809 (VCV000542809.51), dbSNP rs11558704, ClinGen allele CA7769485.

ClinVar aggregate classification (germline): Benign/Likely benign. Review status: criteria provided, multiple submitters, no conflicts (2 of 4 stars). 9 submissions from 9 submitters: Benign (3); Likely benign (3). 3 of the submissions do not count toward it. Last evaluated 2026-06-01.

Conditions:
NPRL3-related disorder. Also called: NPRL3-related condition.
Epilepsy, familial focal, with variable foci 3 (FFEVF3). Identifiers: MedGen C4310708, MONDO:0014925, OMIM 617118.

Allele frequency attached by ClinVar (database versions not stated): 1000 Genomes Project 0.00120; TOPMed 0.00138; 1000 Genomes Project 30x 0.00141; ESP Exome Variant Server 0.00151; gnomAD 0.00258.
gnomAD v4.1: 3,454 of 1,549,608 alleles (0.22%); highest among the groups gnomAD compares: Non-Finnish European, 0.25%; 10 homozygotes.

Submissions (9):

CeGaT Center for Human Genetics Tuebingen
Classification: Likely benign. Last evaluated: 2026-06-01. Review status: criteria provided, single submitter. Criteria: CeGaT Center For Human Genetics Tuebingen Variant Classification Criteria Version 2. Collection method: clinical testing. Allele origin: germline. Affected: yes. Observed: 13 variant alleles.
Comment: NPRL3: BS1

Labcorp Genetics (formerly Invitae), Labcorp
Classification: Benign for Epilepsy, familial focal, with variable foci 3. Last evaluated: 2026-01-28. Review status: criteria provided, single submitter. Criteria: Invitae Variant Classification Sherloc (09022015). Collection method: clinical testing. Allele origin: germline.

Blueprint Genetics
Classification: Likely benign. Last evaluated: 2024-11-27. Review status: criteria provided, single submitter. Criteria: ACMG Guidelines, 2015. Collection method: clinical testing. Allele origin: germline.

ARUP Laboratories, Molecular Genetics and Genomics, ARUP Laboratories
Classification: Likely benign for Epilepsy, familial focal, with variable foci 3. Last evaluated: 2023-10-17. Review status: criteria provided, single submitter. Criteria: ARUP Molecular Germline Variant Investigation Process 2024. Collection method: clinical testing. Allele origin: germline.

Mayo Clinic Laboratories, Mayo Clinic
Classification: Benign. Last evaluated: 2020-05-01. Review status: criteria provided, single submitter. Criteria: ACMG Guidelines, 2015. Collection method: clinical testing. Allele origin: germline. Observed: 4 variant alleles.

GeneDx
Classification: Benign. Last evaluated: 2019-01-28. Review status: criteria provided, single submitter. Criteria: GeneDx Variant Classification Process June 2021. Collection method: clinical testing. Allele origin: germline. Affected: yes.

PreventionGenetics, part of Exact Sciences
Classification: Benign for NPRL3-related condition. Last evaluated: 2019-12-23. Review status: no assertion criteria provided. Collection method: clinical testing. Allele origin: germline. Not counted in ClinVar's aggregate classification.
Comment: This variant is classified as benign based on ACMG/AMP sequence variant interpretation guidelines (Richards et al. 2015 PMID: 25741868, with internal and published modifications).

Clinical Genetics DNA and cytogenetics Diagnostics Lab, Erasmus MC, Erasmus Medical Center
Classification: Likely benign. Review status: no assertion criteria provided. Collection method: clinical testing. Allele origin: germline. Affected: yes. Study: VKGL Data-share Consensus. Not counted in ClinVar's aggregate classification.

Genome Diagnostics Laboratory, University Medical Center Utrecht
Classification: Likely benign. Review status: no assertion criteria provided. Collection method: clinical testing. Allele origin: germline. Affected: yes. Study: VKGL Data-share Consensus. Not counted in ClinVar's aggregate classification.